The following is an entry in ClinVar:

ClinVar aggregate classification (germline): Likely pathogenic. Review status: criteria provided, multiple submitters, no conflicts (2 of 4 stars). 3 submissions from 3 submitters: Likely pathogenic (2). 1 of the submissions does not count toward it. Last evaluated 2025-09-14.

Conditions:
Curry-Hall syndrome (WAD). Also called: WEYERS ACRODENTAL DYSOSTOSIS. Identifiers: Orphanet 952, MedGen C0457013, MONDO:0008673, OMIM 193530.
Ellis-van Creveld syndrome (EVC). Also called: EVC2-Related Ellis-van Creveld Syndrome; EVC-Related Ellis-van Creveld Syndrome; MESOECTODERMAL DYSPLASIA; Chondroectodermal dysplasia. Identifiers: Orphanet 289, MedGen C0013903, MONDO:0009162, OMIM 225500.

Allele frequency attached by ClinVar (database versions not stated): gnomAD exomes 0.00001.
gnomAD v4.1: 11 of 1,613,816 alleles (0.00068%); highest among the groups gnomAD compares: Non-Finnish European, 0.00085%; no homozygotes.

Submissions (3):

Labcorp Genetics (formerly Invitae), Labcorp
Classification: Likely pathogenic for Curry-Hall syndrome; Ellis-van Creveld syndrome. Last evaluated: 2025-09-14. Review status: criteria provided, single submitter. Criteria: Invitae Variant Classification Sherloc (09022015). Collection method: clinical testing. Allele origin: germline.
Comment: This sequence change affects an acceptor splice site in intron 13 of the EVC2 gene. It is expected to disrupt RNA splicing. Variants that disrupt the donor or acceptor splice site typically lead to a loss of protein function (PMID: 16199547), and loss-of-function variants in EVC2 are known to be pathogenic (PMID: 17024374, 19810119, 19876929). This variant is not present in population databases (gnomAD no frequency). Disruption of this splice site has been observed in individual(s) with Ellis-van Creveld syndrome (PMID: 20184732). ClinVar contains an entry for this variant (Variation ID: 551049). Algorithms developed to predict the effect of sequence changes on RNA splicing suggest that this variant may disrupt the consensus splice site. In summary, the currently available evidence indicates that the variant is pathogenic, but additional data are needed to prove that conclusively. Therefore, this variant has been classified as Likely Pathogenic.

Fulgent Genetics
Classification: Likely pathogenic for Curry-Hall syndrome; Ellis-van Creveld syndrome. Last evaluated: 2018-10-31. Review status: criteria provided, single submitter. Criteria: ACMG Guidelines, 2015. Collection method: clinical testing. Allele origin: unknown.

Counsyl
Classification: Likely pathogenic for Ellis-van Creveld syndrome. Last evaluated: 2017-03-23. Review status: no assertion criteria provided. Collection method: clinical testing. Allele origin: unknown. Not counted in ClinVar's aggregate classification.

Literature cited by the submitters: PubMed 16199547 (cited by Labcorp Genetics (formerly Invitae), Labcorp); PubMed 17024374 (cited by Labcorp Genetics (formerly Invitae), Labcorp); PubMed 19810119 (cited by Labcorp Genetics (formerly Invitae), Labcorp); PubMed 19876929 (cited by Labcorp Genetics (formerly Invitae), Labcorp); PubMed 20184732 (cited by Labcorp Genetics (formerly Invitae), Labcorp).

NM_147127.5(EVC2):c.2047-2A>G

Gene: EVC2 (EvC ciliary complex subunit 2; minus strand). Cytogenetic location: 4p16.2.
Variant type: single nucleotide variant.
Coding change: c.2047-2A>G on transcript NM_147127.5 (MANE Select); the canonical splice acceptor site of the intron before coding-DNA position 2047, A replaced by G.
Molecular consequence: splice acceptor variant.
Genome position (GRCh38, 1-based): chr4:5,622,993, T>C on the plus strand (A>G on the coding strand, the complement: EVC2 is on the minus strand). VCF-style: chr4-5622993-T-C. GRCh37 (hg19) VCF-style: chr4-5624720-T-C.
Other names: c.1807-2A>G (NM_001166136.2).
Identifiers: ClinVar variation 551049 (VCV000551049.9), dbSNP rs1553833239, ClinGen allele CA356145635.
Genomic context (GRCh38, chr4:5,622,993, plus strand): 5'-TCCTCAACCGTTCGGAAGGCCTCGCCGACGGACGCCTGCTCCCTACGCTGCTCCCTGTGC[T>C]GGAGTTTCAGAAAAGAAAATTAAGTGGGGGTGGGGCTTGGCGGGTACAGTCCTTTGGCTG-3'